The following is an entry in ClinVar:

ClinVar aggregate classification (germline): Likely benign. Review status: criteria provided, multiple submitters, no conflicts (2 of 4 stars). 3 submissions from 3 submitters: Likely benign (2). 1 of the submissions does not count toward it. Last evaluated 2025-08-31.

Conditions:
Cardiovascular phenotype. Identifiers: MedGen CN230736.
APOA1-related disorder. Also called: APOA1-related condition.

Allele frequency attached by ClinVar (database versions not stated): ESP Exome Variant Server 0.00008.
gnomAD v4.1: 30 of 1,610,602 alleles (0.0019%); highest among the groups gnomAD compares: African/African-American, 0.0027%; no homozygotes.

Submissions (3):

Labcorp Genetics (formerly Invitae), Labcorp
Classification: Likely benign. Last evaluated: 2025-08-31. Review status: criteria provided, single submitter. Criteria: Invitae Variant Classification Sherloc (09022015). Collection method: clinical testing. Allele origin: germline.

Ambry Genetics
Classification: Likely benign for Cardiovascular phenotype. Last evaluated: 2019-08-16. Review status: criteria provided, single submitter. Criteria: Ambry Variant Classification Scheme 2023. Collection method: clinical testing. Allele origin: germline.

PreventionGenetics, part of Exact Sciences
Classification: Likely benign for APOA1-related condition. Last evaluated: 2023-05-10. Review status: no assertion criteria provided. Collection method: clinical testing. Allele origin: germline. Not counted in ClinVar's aggregate classification.
Comment: This variant is classified as likely benign based on ACMG/AMP sequence variant interpretation guidelines (Richards et al. 2015 PMID: 25741868, with internal and published modifications).

NM_000039.3(APOA1):c.642C>T (p.Ala214=)

Gene: APOA1 (apolipoprotein A1; minus strand). Cytogenetic location: 11q23.3.
Variant type: single nucleotide variant.
Coding change: c.642C>T on transcript NM_000039.3 (MANE Select); coding-DNA position 642, C replaced by T.
Protein change: p.Ala214=; no amino-acid change (alanine 214 retained).
Molecular consequence: synonymous variant.
Genome position (GRCh38, 1-based): chr11:116,835,970, G>A on the plus strand (C>T on the coding strand, the complement: APOA1 is on the minus strand). VCF-style: chr11-116835970-G-A. GRCh37 (hg19) VCF-style: chr11-116706686-G-A.
Other names: c.642C>T, p.Ala214= (NM_001318017.2, NM_001318018.2); c.315C>T, p.Ala105= (NM_001318021.2); c.642C>T (NM_000039.2).
Identifiers: ClinVar variation 1604560 (VCV001604560.12), dbSNP rs375529707, ClinGen allele CA6289768.
Genomic context (GRCh38, chr11:116,835,970, plus strand): 5'-CGCGGGCTTGGCCTTCTCGCTGAGCGTGCTCAGATGCTCGGTGGCCTTGGCGTGGTACTC[G>A]GCCAGTCTGGCGCCGCCGTTCTCCTTGAGAGCCTCAAGGCGCGCGGCCAAGCGCTGGCGC-3'
Protein context (NP_000030.1, residues 204-224): ALKENGGARL[Ala214=]EYHAKATEHL